The following is an entry in ClinVar:

ClinVar aggregate classification (germline): Pathogenic. Review status: criteria provided, multiple submitters, no conflicts (2 of 4 stars). 15 submissions from 15 submitters: Pathogenic (13). 2 of the submissions do not count toward it. Last evaluated 2026-01-26.

Conditions:
NFKB2-related disorder. Also called: NFKB2-related condition.
Inherited Immunodeficiency Diseases. Identifiers: MedGen C5197805, MeSH D000081207.
Common variable immunodeficiency (CVID). Also called: Common variable hypogamma-globulinemia; Common variable agammaglobulinemia. Identifiers: Orphanet 1572, MedGen C0009447, MONDO:0015517.
Immunodeficiency, common variable, 10. Also called: DEFICIT IN ANTERIOR PITUITARY FUNCTION AND VARIABLE IMMUNODEFICIENCY; IMMUNODEFICIENCY, COMMON VARIABLE, WITH CENTRAL ADRENAL INSUFFICIENCY. Identifiers: MedGen C3809991, MONDO:0014260, OMIM 615577.

Submissions (15):

Labcorp Genetics (formerly Invitae), Labcorp
Classification: Pathogenic for Immunodeficiency, common variable, 10. Last evaluated: 2026-01-26. Review status: criteria provided, single submitter. Criteria: Invitae Variant Classification Sherloc (09022015). Collection method: clinical testing. Allele origin: germline.
Comment: This sequence change creates a premature translational stop signal (p.Arg853*) in the NFKB2 gene. While this is not anticipated to result in nonsense mediated decay, it is expected to disrupt the last 48 amino acid(s) of the NFKB2 protein. This variant is not present in population databases (gnomAD no frequency). This premature translational stop signal has been observed in individual(s) with NFKB2-related immunodeficiencies (PMID: 24702956, 25524009, 25605273). In at least one individual the variant was observed to be de novo. ClinVar contains an entry for this variant (Variation ID: 65385). Algorithms developed to predict the effect of variants on gene product structure and function are not available or were not evaluated for this variant. Experimental studies have shown that this premature translational stop signal affects NFKB2 function (PMID: 24140114, 28778864). For these reasons, this variant has been classified as Pathogenic.

Institute of Medical Genetics and Applied Genomics, University Hospital Tübingen
Classification: Pathogenic for Immunodeficiency, common variable, 10. Last evaluated: 2024-09-25. Review status: criteria provided, single submitter. Criteria: ACMG Guidelines, 2015. Collection method: clinical testing. Allele origin: germline. Inheritance: Autosomal dominant inheritance. Affected: yes.

Genomic Medicine Center of Excellence, King Faisal Specialist Hospital and Research Centre
Classification: Pathogenic for Immunodeficiency, common variable, 10. Last evaluated: 2024-03-17. Review status: criteria provided, single submitter. Criteria: ACMG Guidelines, 2015. Collection method: research. Allele origin: germline.

Bioinformatics Unit, Institut Pasteur de Montevideo
Classification: Pathogenic for Immunodeficiency, common variable, 10. Last evaluated: 2023-09-05. Review status: criteria provided, single submitter. Criteria: ACMG Guidelines, 2015. Collection method: clinical testing. Allele origin: inherited. Inheritance: Autosomal dominant inheritance. Affected: yes. Observed: 3 variant alleles, 3 heterozygotes.
Comment: We found this variant in three affected family members and not present in an unaffected one.

3billion
Classification: Pathogenic for Immunodeficiency, common variable, 10. Last evaluated: 2023-02-23. Review status: criteria provided, single submitter. Criteria: ACMG Guidelines, 2015. Collection method: clinical testing. Allele origin: unknown. Affected: yes.
Comment: The variant is not observed in the gnomAD v2.1.1 dataset. This variant was predicted to result in a loss or disruption of normal protein function through protein truncation. Multiple pathogenic variants are reported in the predicted truncated region. The variant has been reported at least twice as pathogenic with clinical assertions and evidence for the classification (ClinVar ID: VCV000065385 / PMID: 24140114). Therefore, this variant is classified as Pathogenic according to the recommendation of ACMG/AMP guideline.

Molecular Genetics Laboratory - Diagnostics Genetics, LabPLUS - Auckland City Hospital
Classification: Pathogenic for Immunodeficiency, common variable, 10. Last evaluated: 2022-09-26. Review status: criteria provided, single submitter. Criteria: ACMG Guidelines, 2015. Collection method: clinical testing. Allele origin: unknown. Affected: yes. Observed: 1 heterozygote.

GeneDx
Classification: Pathogenic. Last evaluated: 2022-07-15. Review status: criteria provided, single submitter. Criteria: GeneDx Variant Classification Process June 2021. Collection method: clinical testing. Allele origin: germline. Affected: yes.
Comment: Nonsense variant in the C-terminus predicted to result in protein truncation, as the last 48 amino acids are lost, and other loss-of-function variants have been reported downstream in the Human Gene Mutation Database (HGMD); In vitro assays demonstrated that R853X has a dominant negative effect (Kuehn et al., 2017); Not observed in large population cohorts (gnomAD); This variant is associated with the following publications: (PMID: 24702956, 25605273, 27577878, 28778864, 28983403, 29225085, 30941118, 30078247, 28919517, 30267444, 24140114, 25524009, 30500415, 29952021, 32135276, 32499645, 32888943, 32694887)

Blueprint Genetics
Classification: Pathogenic for NFKB2-related disorders. Last evaluated: 2020-12-29. Review status: criteria provided, single submitter. Criteria: ACMG Guidelines, 2015. Collection method: clinical testing. Allele origin: germline. Affected: yes. Observed: 1 variant allele.

Johns Hopkins Genomics, Johns Hopkins University
Classification: Pathogenic for Immunodeficiency, common variable, 10. Last evaluated: 2020-01-21. Review status: criteria provided, single submitter. Criteria: ACMG Guidelines, 2015. Collection method: clinical testing. Allele origin: germline.

Women's Health and Genetics/Laboratory Corporation of America, LabCorp
Classification: Pathogenic for Common variable immunodeficiency. Last evaluated: 2020-01-09. Review status: criteria provided, single submitter. Criteria: LabCorp Variant Classification Summary - May 2015. Collection method: clinical testing. Allele origin: germline.
Comment: Variant summary: NFKB2 c.2557C>T (p.Arg853X) results in a premature termination codon, and though it is not expected to cause nonsense mediated decay (NMD), it is predicted to cause a truncation of the encoded protein. The variant was absent in 187640 control chromosomes (gnomAD). c.2557C>T has been reported in the literature in numerous individuals affected with Common Variable Immunodeficiency (e.g. Chen_2013, Klemann_2019). These data indicate that the variant is very likely to be associated with disease. Publications also reported experimental evidence evaluating an impact on protein function, and demonstrated that this C-terminal truncation indeed affects normal protein function (Chen_2013, Kuehn_2017). Two clinical diagnostic laboratories have submitted clinical-significance assessments for this variant to ClinVar after 2014 without evidence for independent evaluation. All laboratories classified the variant as pathogenic. Based on the evidence outlined above, the variant was classified as pathogenic.

NIHR Bioresource Rare Diseases, University of Cambridge
Classification: Pathogenic for Inherited Immunodeficiency Diseases. Last evaluated: 2019-01-01. Review status: criteria provided, single submitter. Criteria: ACMG Guidelines, 2015. Collection method: research. Allele origin: germline. Affected: yes. Observed: 1 heterozygote.

CeGaT Center for Human Genetics Tuebingen
Classification: Pathogenic. Last evaluated: 2018-03-01. Review status: criteria provided, single submitter. Criteria: CeGaT Center For Human Genetics Tuebingen Variant Classification Criteria Version 2. Collection method: clinical testing. Allele origin: germline. Affected: yes. Observed: 1 variant allele.

ARUP Laboratories, Molecular Genetics and Genomics, ARUP Laboratories
Classification: Pathogenic. Last evaluated: 2016-12-15. Review status: criteria provided, single submitter. Criteria: ARUP Molecular Germline Variant Investigation Process. Collection method: clinical testing. Allele origin: germline.

OMIM
Classification: Pathogenic for IMMUNODEFICIENCY, COMMON VARIABLE, 10. Last evaluated: 2014-12-19. Review status: no assertion criteria provided. Collection method: literature only. Allele origin: germline. Not counted in ClinVar's aggregate classification.

Samuels research lab, Centre de Recherche du CHU Ste-Justine
Classification: Pathogenic for Combined variable immunodeficiency (CVID) with pituitary insufficiency (ACTH deficiency, sometimes with growth hormone or thyroid hormone deficiency). Review status: no assertion criteria provided. Collection method: research. Allele origin: unknown. Affected: yes. Observed: 1 variant allele. Study: FORGE Canada. Not counted in ClinVar's aggregate classification.
Comment: Molecular characterization of rare pediatric disorders in Canada

Literature cited by the submitters: PubMed 24702956 (cited by Labcorp Genetics (formerly Invitae), Labcorp); PubMed 25524009 (cited by 4 submitters); PubMed 25605273 (cited by Labcorp Genetics (formerly Invitae), Labcorp); PubMed 24140114 (cited by 5 submitters); PubMed 28778864 (cited by 3 submitters); PubMed 29225085 (cited by Johns Hopkins Genomics, Johns Hopkins University); PubMed 30941118 (cited by Johns Hopkins Genomics, Johns Hopkins University and Women's Health and Genetics/Laboratory Corporation of America, LabCorp).

NM_001322934.2(NFKB2):c.2557C>T (p.Arg853Ter)

Genes: NFKB2 (nuclear factor kappa B subunit 2; plus strand), PSD (pleckstrin and Sec7 domain containing; minus strand). Cytogenetic location: 10q24.32.
Variant type: single nucleotide variant.
Coding change: c.2557C>T on transcript NM_001322934.2 (MANE Select); coding-DNA position 2557, C replaced by T.
Protein change: p.Arg853Ter; replaces arginine 853 with a stop codon.
Molecular consequence: nonsense.
Genome position (GRCh38, 1-based): chr10:102,402,138, C>T. VCF-style: chr10-102402138-C-T. GRCh37 (hg19) VCF-style: chr10-104161895-C-T.
Other names: c.2557C>T, p.Arg853Ter (NM_001077494.3, NM_001261403.3, NM_001288724.1 and 1 more transcripts); c.2431C>T, p.Arg811Ter (NM_001322935.1); short protein forms R853*, R811*.
Identifiers: ClinVar variation 65385 (VCV000065385.63), dbSNP rs397514332, ClinGen allele CA144753.